The following is an entry in ClinVar:

ClinVar aggregate classification (germline): Pathogenic. Review status: criteria provided, multiple submitters, no conflicts (2 of 4 stars). 2 submissions from 2 submitters: Pathogenic (2). Last evaluated 2025-03-31.

Conditions:
Early-infantile DEE. Also called: Ohtahara syndrome; Early infantile epileptic encephalopathy; Early infantile epileptic encephalopathy with suppression bursts. Identifiers: Orphanet 1934, MedGen C0393706, MONDO:0800491.

Submissions (2):

GeneDx
Classification: Pathogenic. Last evaluated: 2025-03-31. Review status: criteria provided, single submitter. Criteria: GeneDx Variant Classification Process June 2021. Collection method: clinical testing. Allele origin: germline. Affected: yes.
Comment: Canonical splice site variant predicted to result in a null allele in a gene for which loss of function is a known mechanism of disease; Not observed at significant frequency in large population cohorts (gnomAD); This variant is associated with the following publications: (PMID: 29655203, 39215723)

Labcorp Genetics (formerly Invitae), Labcorp
Classification: Pathogenic for Early-infantile DEE. Last evaluated: 2020-03-03. Review status: criteria provided, single submitter. Criteria: Invitae Variant Classification Sherloc (09022015). Collection method: clinical testing. Allele origin: germline.
Comment: This sequence change affects an acceptor splice site in intron 4 of the SCN1A gene. It is expected to disrupt RNA splicing and likely results in an absent or disrupted protein product. For these reasons, this variant has been classified as Pathogenic. Donor and acceptor splice site variants typically lead to a loss of protein function (PMID: 16199547), and loss-of-function variants in SCN1A are known to be pathogenic (PMID: 17347258, 18930999). Disruption of this splice site has been observed to be de novo in individuals affected with Dravet syndrome (PMID: 21719429, 27864847). ClinVar contains an entry for this variant (Variation ID: 206743). This variant is not present in population databases (ExAC no frequency).

Literature cited by the submitters: PubMed 16199547 (cited by Labcorp Genetics (formerly Invitae), Labcorp); PubMed 17347258 (cited by Labcorp Genetics (formerly Invitae), Labcorp); PubMed 18930999 (cited by Labcorp Genetics (formerly Invitae), Labcorp); PubMed 21719429 (cited by Labcorp Genetics (formerly Invitae), Labcorp); PubMed 27864847 (cited by Labcorp Genetics (formerly Invitae), Labcorp).

NM_001165963.4(SCN1A):c.603-1G>A

Gene: SCN1A (sodium voltage-gated channel alpha subunit 1; minus strand). Cytogenetic location: 2q24.3.
Variant type: single nucleotide variant.
Coding change: c.603-1G>A on transcript NM_001165963.4 (MANE Select); the canonical splice acceptor site of the intron before coding-DNA position 603, G replaced by A.
Molecular consequence: splice acceptor variant.
Genome position (GRCh38, 1-based): chr2:166,052,944, C>T on the plus strand (G>A on the coding strand, the complement: SCN1A is on the minus strand). VCF-style: chr2-166052944-C-T. GRCh37 (hg19) VCF-style: chr2-166909454-C-T.
Other names: c.603-1G>A (NM_001353949.2, NM_001353958.2, NM_001353950.2 and 10 more transcripts); c.-1823-1G>A (NM_001353961.2).
Identifiers: ClinVar variation 206743 (VCV000206743.14), dbSNP rs796052959, ClinGen allele CA317143.
Genomic context (GRCh38, chr2:166,052,944, plus strand): 5'-AGAACTCTGAATGTTCTCAATGCCGAGACATTGCCCAGGTCCACAAACTCTGTGACGTAC[C>T]TGTAATAGGGAGTTCACACACAAACACAAAAACAGGACACAAAGAAAAAGCTGTAGGTAC-3'